The following is an entry in ClinVar:

ClinVar aggregate classification (germline): Benign/Likely benign. Review status: criteria provided, multiple submitters, no conflicts (2 of 4 stars). 4 submissions from 4 submitters: Benign (1); Likely benign (3). Last evaluated 2025-07-27.

Conditions:
Hereditary cancer-predisposing syndrome. Also called: Hereditary Cancer Syndrome; Tumor predisposition; Neoplastic Syndromes, Hereditary; Hereditary neoplastic syndrome. Identifiers: Orphanet 140162, MedGen C0027672, MeSH D009386, MONDO:0015356.
Tuberous sclerosis 2 (TSC2). Identifiers: Orphanet 805, MedGen C1860707, MONDO:0013199, OMIM 613254.

gnomAD v4.1: 2 of 1,613,894 alleles (0.00012%); highest among the groups gnomAD compares: Non-Finnish European, 0.00017%; no homozygotes.

Submissions (4):

Labcorp Genetics (formerly Invitae), Labcorp
Classification: Likely benign for Tuberous sclerosis 2. Last evaluated: 2025-07-27. Review status: criteria provided, single submitter. Criteria: Invitae Variant Classification Sherloc (09022015). Collection method: clinical testing. Allele origin: germline.

Myriad Genetics, Inc.
Classification: Benign for Tuberous sclerosis 2. Last evaluated: 2025-04-30. Review status: criteria provided, single submitter. Criteria: Myriad Autosomal Dominant, Autosomal Recessive and X-Linked Classification Criteria (2023). Collection method: clinical testing. Allele origin: unknown.
Comment: This variant is considered benign. This variant is a silent/synonymous amino acid change and it is not expected to impact splicing.

Ambry Genetics
Classification: Likely benign for Hereditary cancer-predisposing syndrome. Last evaluated: 2021-09-05. Review status: criteria provided, single submitter. Criteria: Ambry Variant Classification Scheme 2023. Collection method: clinical testing. Allele origin: germline.

GeneDx
Classification: Likely benign. Last evaluated: 2018-01-02. Review status: criteria provided, single submitter. Criteria: GeneDx Variant Classification (06012015). Collection method: clinical testing. Allele origin: germline. Affected: yes.
Comment: This variant is considered likely benign or benign based on one or more of the following criteria: it is a conservative change, it occurs at a poorly conserved position in the protein, it is predicted to be benign by multiple in silico algorithms, and/or has population frequency not consistent with disease.

NM_000548.5(TSC2):c.153A>G (p.Glu51=)

Gene: TSC2 (TSC complex subunit 2; plus strand). Cytogenetic location: 16p13.3.
Variant type: single nucleotide variant.
Coding change: c.153A>G on transcript NM_000548.5 (MANE Select); coding-DNA position 153, A replaced by G.
Protein change: p.Glu51=; no amino-acid change (glutamic acid 51 retained).
Molecular consequence: synonymous variant. On other transcripts: 5 prime UTR variant (1).
Genome position (GRCh38, 1-based): chr16:2,050,414, A>G. VCF-style: chr16-2050414-A-G. GRCh37 (hg19) VCF-style: chr16-2100415-A-G.
Other names: c.153A>G, p.Glu51= (NM_001077183.3, NM_001114382.3, NM_001318827.2 and 4 more transcripts); c.6A>G, p.Glu2= (NM_001318829.2); c.-74A>G (NM_001318831.2); c.186A>G, p.Glu62= (NM_001318832.2).
Identifiers: ClinVar variation 514502 (VCV000514502.12), dbSNP rs746366461, ClinGen allele CA492954857.
Genomic context (GRCh38, chr16:2,050,414, plus strand): 5'-CGTGGCCTGAGCACTGGCCCCTTTTTCTTCTTTCATCTCTCTCCAGGAACTGAGCATGGA[A>G]TGTGGCCTCAACAATCGCATCCGGATGATAGGGCAGATTTGTGAAGTCGCAAAAACCAAG-3'
Protein context (NP_000539.2, residues 41-61): TAEILRELSM[Glu51=]CGLNNRIRMI